The following is an entry in ClinVar:

ClinVar aggregate classification (germline): Conflicting classifications of pathogenicity. Review status: criteria provided, conflicting classifications (1 of 4 stars). 5 submissions from 5 submitters: Uncertain significance (3); Likely benign (1). 1 of the submissions does not count toward it. Last evaluated 2026-01-28.

Conditions:
Maple syrup urine disease (MSUD). Identifiers: Orphanet 511, MedGen C0024776, MeSH D008375, MONDO:0009563. Disease mechanism: loss of function.
Maple syrup urine disease type 1A (MSUD1A). Also called: MSUD type 1A. Identifiers: MedGen C1855369, MONDO:0023691, OMIM 248600.
Inborn genetic diseases. Identifiers: MedGen C0950123, MeSH D030342.

Allele frequency attached by ClinVar (database versions not stated): gnomAD 0.00007 and 0.00009; ESP Exome Variant Server 0.00008; TOPMed 0.00008; ExAC 0.00014; gnomAD exomes 0.00014.

Submissions (5):

Labcorp Genetics (formerly Invitae), Labcorp
Classification: Likely benign for Maple syrup urine disease. Last evaluated: 2026-01-28. Review status: criteria provided, single submitter. Criteria: Invitae Variant Classification Sherloc (09022015). Collection method: clinical testing. Allele origin: germline.

GeneDx
Classification: Uncertain significance. Last evaluated: 2024-07-17. Review status: criteria provided, single submitter. Criteria: GeneDx Variant Classification Process June 2021. Collection method: clinical testing. Allele origin: germline. Affected: yes.
Comment: In silico analysis indicates that this missense variant does not alter protein structure/function; Has not been previously published as pathogenic or benign to our knowledge

Ambry Genetics
Classification: Uncertain significance for Inborn genetic diseases. Last evaluated: 2021-10-20. Review status: criteria provided, single submitter. Criteria: Ambry Variant Classification Scheme 2023. Collection method: clinical testing. Allele origin: germline.

Revvity Omics, Revvity
Classification: Uncertain significance for Maple syrup urine disease type 1A. Last evaluated: 2019-01-31. Review status: criteria provided, single submitter. Criteria: ACMG Guidelines, 2015. Collection method: clinical testing. Allele origin: germline.

Natera, Inc.
Classification: Likely benign for Maple syrup urine disease type 1A. Last evaluated: 2021-07-27. Review status: no assertion criteria provided. Collection method: clinical testing. Allele origin: germline. Not counted in ClinVar's aggregate classification.

NM_000709.4(BCKDHA):c.1252G>A (p.Ala418Thr)

Gene: BCKDHA (branched chain keto acid dehydrogenase E1 subunit alpha; plus strand). Cytogenetic location: 19q13.2.
Variant type: single nucleotide variant.
Coding change: c.1252G>A on transcript NM_000709.4 (MANE Select); coding-DNA position 1252, G replaced by A.
Protein change: p.Ala418Thr; replaces alanine 418 with threonine.
Molecular consequence: missense variant.
Genome position (GRCh38, 1-based): chr19:41,424,522, G>A. VCF-style: chr19-41424522-G-A. GRCh37 (hg19) VCF-style: chr19-41930427-G-A.
Other names: c.1249G>A, p.Ala417Thr (NM_001164783.2); short protein forms A417T, A418T.
Identifiers: ClinVar variation 651417 (VCV000651417.16), dbSNP rs368567109, ClinGen allele CA9461414.